The following is an entry in ClinVar:

NM_022726.4(ELOVL4):c.812A>G (p.Lys271Arg)

Gene: ELOVL4 (ELOVL fatty acid elongase 4; minus strand). Cytogenetic location: 6q14.1.
Variant type: single nucleotide variant.
Coding change: c.812A>G on transcript NM_022726.4 (MANE Select); coding-DNA position 812, A replaced by G.
Protein change: p.Lys271Arg; replaces lysine 271 with arginine.
Molecular consequence: missense variant.
Genome position (GRCh38, 1-based): chr6:79,916,741, T>C on the plus strand (A>G on the coding strand, the complement: ELOVL4 is on the minus strand). VCF-style: chr6-79916741-T-C. GRCh37 (hg19) VCF-style: chr6-80626458-T-C.
Other names: short protein forms K271R.
Identifiers: ClinVar variation 1717960 (VCV001717960.6), dbSNP rs2532967693, ClinGen allele CA364655791.

ClinVar aggregate classification (germline): Uncertain significance (1 of 4 stars; one submission).

Submission:

Labcorp Genetics (formerly Invitae), Labcorp
Classification: Uncertain significance. Last evaluated: 2022-11-01. Review status: criteria provided, single submitter. Criteria: Invitae Variant Classification Sherloc (09022015). Collection method: clinical testing. Allele origin: germline.
Comment: In summary, the available evidence is currently insufficient to determine the role of this variant in disease. Therefore, it has been classified as a Variant of Uncertain Significance. Advanced modeling of protein sequence and biophysical properties (such as structural, functional, and spatial information, amino acid conservation, physicochemical variation, residue mobility, and thermodynamic stability) performed at Invitae indicates that this missense variant is not expected to disrupt ELOVL4 protein function. This variant has not been reported in the literature in individuals affected with ELOVL4-related conditions. This variant is not present in population databases (gnomAD no frequency). This sequence change replaces lysine, which is basic and polar, with arginine, which is basic and polar, at codon 271 of the ELOVL4 protein (p.Lys271Arg).